The following is an entry in ClinVar:

ClinVar aggregate classification (germline): Uncertain significance. Review status: criteria provided, multiple submitters, no conflicts (2 of 4 stars). 2 submissions from 2 submitters: Uncertain significance (2). Last evaluated 2025-08-19.

Conditions:
Inborn genetic diseases. Identifiers: MedGen C0950123, MeSH D030342.

Allele frequency attached by ClinVar (database versions not stated): ExAC 0.00002; gnomAD 0.00002.
gnomAD v4.1: 25 of 1,613,650 alleles (0.0015%); highest among the groups gnomAD compares: South Asian, 0.011%; no homozygotes.

Submissions (2):

Ambry Genetics
Classification: Uncertain significance for Inborn genetic diseases. Last evaluated: 2025-08-19. Review status: criteria provided, single submitter. Criteria: Ambry Variant Classification Scheme 2023. Collection method: clinical testing. Allele origin: germline.

Labcorp Genetics (formerly Invitae), Labcorp
Classification: Uncertain significance. Last evaluated: 2022-05-25. Review status: criteria provided, single submitter. Criteria: Invitae Variant Classification Sherloc (09022015). Collection method: clinical testing. Allele origin: germline.
Comment: This sequence change replaces threonine, which is neutral and polar, with methionine, which is neutral and non-polar, at codon 4037 of the LRP2 protein (p.Thr4037Met). This variant is present in population databases (rs775093374, gnomAD 0.02%). This variant has not been reported in the literature in individuals affected with LRP2-related conditions. Advanced modeling of protein sequence and biophysical properties (such as structural, functional, and spatial information, amino acid conservation, physicochemical variation, residue mobility, and thermodynamic stability) performed at Invitae indicates that this missense variant is not expected to disrupt LRP2 protein function. In summary, the available evidence is currently insufficient to determine the role of this variant in disease. Therefore, it has been classified as a Variant of Uncertain Significance.

NM_004525.3(LRP2):c.12110C>T (p.Thr4037Met)

Gene: LRP2 (LDL receptor related protein 2; minus strand). Cytogenetic location: 2q31.1.
Variant type: single nucleotide variant.
Coding change: c.12110C>T on transcript NM_004525.3 (MANE Select); coding-DNA position 12110, C replaced by T.
Protein change: p.Thr4037Met; replaces threonine 4037 with methionine.
Molecular consequence: missense variant.
Genome position (GRCh38, 1-based): chr2:169,156,315, G>A on the plus strand (C>T on the coding strand, the complement: LRP2 is on the minus strand). VCF-style: chr2-169156315-G-A. GRCh37 (hg19) VCF-style: chr2-170012825-G-A.
Other names: c.12110C>T (NM_004525.2); short protein forms T4037M.
Identifiers: ClinVar variation 1953529 (VCV001953529.5), dbSNP rs775093374, ClinGen allele CA1952882.